The following is an entry in ClinVar:

ClinVar aggregate classification (germline): Uncertain significance (1 of 4 stars; one submission).

Allele frequency attached by ClinVar (database versions not stated): TOPMed below 0.00001.

Submission:

Labcorp Genetics (formerly Invitae), Labcorp
Classification: Uncertain significance. Last evaluated: 2022-04-26. Review status: criteria provided, single submitter. Criteria: Invitae Variant Classification Sherloc (09022015). Collection method: clinical testing. Allele origin: germline.
Comment: In summary, the available evidence is currently insufficient to determine the role of this variant in disease. Therefore, it has been classified as a Variant of Uncertain Significance. Experimental studies and prediction algorithms are not available or were not evaluated, and the functional significance of this variant is currently unknown. This variant has not been reported in the literature in individuals affected with ZNF469-related conditions. This variant is not present in population databases (gnomAD no frequency). This sequence change creates a premature translational stop signal (p.Gln3869Argfs*44) in the ZNF469 gene. While this is not anticipated to result in nonsense mediated decay, it is expected to disrupt the last 57 amino acid(s) of the ZNF469 protein.

NM_001367624.2(ZNF469):c.11690del (p.Gln3897fs)

Gene: ZNF469 (zinc finger protein 469; plus strand). Cytogenetic location: 16q24.2.
Variant type: Deletion.
Coding change: c.11690del on transcript NM_001367624.2 (MANE Select); coding-DNA position 11690, one base deleted (A; older notation c.11690delA).
Protein change: p.Gln3897fs; shifts the reading frame from glutamine 3897.
Molecular consequence: frameshift variant.
Genome position (GRCh38, 1-based): chr16:88,439,160, A deleted. VCF-style (leftmost placement, unchanged base first): chr16-88439159-CA-C. GRCh37 (hg19) VCF-style: chr16-88505567-CA-C.
Other names: short protein forms Q3897fs.
Identifiers: ClinVar variation 2130879 (VCV002130879.4), dbSNP rs1906826862, ClinGen allele CA2241074354.
Genomic context (GRCh38, chr16:88,439,159, plus strand): 5'-CAGCGGAAGGCAGAGCCGGGCCACACACAGAGGAAGGACAGACTGGGCAAGGCCTTCCCC[CA>C]GGGGAGACCCCTGCTCAGGCCCCCCAAGAGGGGCACAGCTGTCCACGGTGCTGAACCTGC-3'